The following is an entry in ClinVar:

NM_000179.3(MSH6):c.449C>T (p.Pro150Leu)

Gene: MSH6 (mutS homolog 6; plus strand). Cytogenetic location: 2p16.3.
Variant type: single nucleotide variant.
Coding change: c.449C>T on transcript NM_000179.3 (MANE Select); coding-DNA position 449, C replaced by T.
Protein change: p.Pro150Leu; replaces proline 150 with leucine.
Molecular consequence: missense variant. On other transcripts: 5 prime UTR variant (2), intron variant (1).
Genome position (GRCh38, 1-based): chr2:47,791,115, C>T. VCF-style: chr2-47791115-C-T. GRCh37 (hg19) VCF-style: chr2-48018254-C-T.
Other names: c.-288C>T (NM_001281493.2); c.-454C>T (NM_001281494.2); c.238-7496C>T (NM_001281492.2); short protein forms P150L.
Identifiers: ClinVar variation 999847 (VCV000999847.11), dbSNP rs757311007, ClinGen allele CA346737198.

ClinVar aggregate classification (germline): Uncertain significance. Review status: criteria provided, multiple submitters, no conflicts (2 of 4 stars). 2 submissions from 2 submitters: Uncertain significance (2). Last evaluated 2023-06-27.

Conditions:
Hereditary nonpolyposis colorectal neoplasms. Identifiers: MedGen C0009405, MeSH D003123.
Lynch syndrome. Identifiers: Orphanet 144, MedGen C4552100, MONDO:0005835. Disease mechanism: loss of function.

Allele frequency attached by ClinVar (database versions not stated): gnomAD exomes below 0.00001.
gnomAD v4.1: 4 of 1,613,858 alleles (0.00025%); highest among the groups gnomAD compares: Non-Finnish European, 0.00025%; no homozygotes.

Submissions (2):

All of Us Research Program, National Institutes of Health
Classification: Uncertain significance for Lynch syndrome. Last evaluated: 2023-06-27. Review status: criteria provided, single submitter. Criteria: ACMG Guidelines, 2015. Collection method: clinical testing. Allele origin: germline. Inheritance: Autosomal dominant inheritance. Observed: 1 variant allele, 1 heterozygote.
Comment: This study involves interpretation of variants in research participants for the purpose of population health screening. Participant phenotype was not available at the time of variant classification. Additional details can be found in publication PMID: 35346344, PMCID: PMC8962531

Labcorp Genetics (formerly Invitae), Labcorp
Classification: Uncertain significance for Hereditary nonpolyposis colorectal neoplasms. Last evaluated: 2020-01-23. Review status: criteria provided, single submitter. Criteria: Invitae Variant Classification Sherloc (09022015). Collection method: clinical testing. Allele origin: germline.
Comment: In summary, the available evidence is currently insufficient to determine the role of this variant in disease. Therefore, it has been classified as a Variant of Uncertain Significance. Algorithms developed to predict the effect of missense changes on protein structure and function are either unavailable or do not agree on the potential impact of this missense change (SIFT: "Tolerated"; PolyPhen-2: "Possibly Damaging"; Align-GVGD: "Class C0"). This variant has not been reported in the literature in individuals with MSH6-related conditions. This variant is not present in population databases (ExAC no frequency). This sequence change replaces proline with leucine at codon 150 of the MSH6 protein (p.Pro150Leu). The proline residue is moderately conserved and there is a moderate physicochemical difference between proline and leucine.